The following is an entry in ClinVar:

NM_015272.5(RPGRIP1L):c.2425C>G (p.Leu809Val)

Gene: RPGRIP1L (RPGRIP1 like; minus strand). Cytogenetic location: 16q12.2.
Variant type: single nucleotide variant.
Coding change: c.2425C>G on transcript NM_015272.5 (MANE Select); coding-DNA position 2425, C replaced by G.
Protein change: p.Leu809Val; replaces leucine 809 with valine.
Molecular consequence: missense variant.
Genome position (GRCh38, 1-based): chr16:53,645,883, G>C on the plus strand (C>G on the coding strand, the complement: RPGRIP1L is on the minus strand). VCF-style: chr16-53645883-G-C. GRCh37 (hg19) VCF-style: chr16-53679795-G-C.
Other names: c.2425C>G (NM_015272.2, NM_015272.4); c.2425C>G, p.Leu809Val (NM_001127897.4, NM_001308334.3, NM_001330538.2); short protein forms L809V.
Identifiers: ClinVar variation 500284 (VCV000500284.10), dbSNP rs370180090, ClinGen allele CA8057545.
Genomic context (GRCh38, chr16:53,645,883, plus strand): 5'-TAGCTGTATCATGGTCTGCAAAATCAAAAAACTTGTACACAACATATGGGTGTGGCTGCA[G>C]GTGGCTTGCTCGGGACTGCAGGTGGTTGCAACATCTTATTGTAATGTGAAGTTCATTTAA-3'
Protein context (NP_056087.2, residues 799-819): CNHLQSRASH[Leu809Val]QPHPYVVYKF

ClinVar aggregate classification (germline): Uncertain significance. Review status: criteria provided, multiple submitters, no conflicts (2 of 4 stars). 4 submissions from 4 submitters: Uncertain significance (4). Last evaluated 2025-10-28.

Conditions:
Inborn genetic diseases. Identifiers: MedGen C0950123, MeSH D030342.
RPGRIP1L-related disorder. Also called: RPGRIP1L-related condition; RPGRIP1L-related disorders. Identifiers: MedGen CN239416.
Meckel-Gruber syndrome. Also called: DYSENCEPHALIA SPLANCHNOCYSTICA; GRUBER SYNDROME; Dysencephalia splachnocystica. Identifiers: Orphanet 564, MedGen C0265215, MONDO:0018921.
Joubert syndrome. Also called: JOUBERT-BOLTSHAUSER SYNDROME; Familial aplasia of the vermis. Identifiers: Orphanet 475, MedGen C5979921, MONDO:0018772.

Allele frequency attached by ClinVar (database versions not stated): ExAC 0.00001; gnomAD 0.00003; gnomAD exomes 0.00003 and 0.00004; TOPMed 0.00003; ESP Exome Variant Server 0.00008.
gnomAD v4.1: 62 of 1,614,016 alleles (0.0038%); highest among the groups gnomAD compares: Admixed American, 0.0067%; no homozygotes.

Submissions (4):

PreventionGenetics, part of Exact Sciences
Classification: Uncertain significance for RPGRIP1L-related condition. Last evaluated: 2025-10-28. Review status: criteria provided, single submitter. Criteria: ACMG Guidelines, 2015. Collection method: clinical testing. Allele origin: germline.
Comment: The RPGRIP1L c.2425C>G variant is predicted to result in the amino acid substitution p.Leu809Val. To our knowledge, this variant has not been reported in the literature. This variant is reported in 0.029% of alleles in individuals of Ashkenazi Jewish descent in gnomAD. At this time, the clinical significance of this variant is uncertain due to the absence of conclusive functional and genetic evidence.

Ambry Genetics
Classification: Uncertain significance for Inborn genetic diseases. Last evaluated: 2024-10-12. Review status: criteria provided, single submitter. Criteria: Ambry Variant Classification Scheme 2023. Collection method: clinical testing. Allele origin: germline.

Labcorp Genetics (formerly Invitae), Labcorp
Classification: Uncertain significance for Joubert syndrome; Meckel-Gruber syndrome. Last evaluated: 2022-10-08. Review status: criteria provided, single submitter. Criteria: Invitae Variant Classification Sherloc (09022015). Collection method: clinical testing. Allele origin: germline.
Comment: This sequence change replaces leucine, which is neutral and non-polar, with valine, which is neutral and non-polar, at codon 809 of the RPGRIP1L protein (p.Leu809Val). This variant is present in population databases (rs370180090, gnomAD 0.03%). This variant has not been reported in the literature in individuals affected with RPGRIP1L-related conditions. ClinVar contains an entry for this variant (Variation ID: 500284). Advanced modeling of protein sequence and biophysical properties (such as structural, functional, and spatial information, amino acid conservation, physicochemical variation, residue mobility, and thermodynamic stability) performed at Invitae indicates that this missense variant is not expected to disrupt RPGRIP1L protein function. In summary, the available evidence is currently insufficient to determine the role of this variant in disease. Therefore, it has been classified as a Variant of Uncertain Significance.

Eurofins Ntd Llc (ga)
Classification: Uncertain significance. Last evaluated: 2017-02-22. Review status: criteria provided, single submitter. Criteria: EGL Classification Definitions 2015. Collection method: clinical testing. Allele origin: germline. Observed: 2 variant alleles, 2 heterozygotes.